The following is an entry in ClinVar:

NM_172107.4(KCNQ2):c.1347C>T (p.Gly449=)

Gene: KCNQ2 (potassium voltage-gated channel subfamily Q member 2; minus strand). Cytogenetic location: 20q13.33.
Variant type: single nucleotide variant.
Coding change: c.1347C>T on transcript NM_172107.4 (MANE Select); coding-DNA position 1347, C replaced by T.
Protein change: p.Gly449=; no amino-acid change (glycine 449 retained).
Molecular consequence: synonymous variant.
Genome position (GRCh38, 1-based): chr20:63,415,081, G>A on the plus strand (C>T on the coding strand, the complement: KCNQ2 is on the minus strand). VCF-style: chr20-63415081-G-A. GRCh37 (hg19) VCF-style: chr20-62046434-G-A.
Other names: c.1263C>T, p.Gly421= (NM_004518.6); c.1293C>T, p.Gly431= (NM_172106.3); c.1257C>T, p.Gly419= (NM_172108.5).
Identifiers: ClinVar variation 432512 (VCV000432512.15), dbSNP rs771845478, ClinGen allele CA9958468.

ClinVar aggregate classification (germline): Conflicting classifications of pathogenicity. Review status: criteria provided, conflicting classifications (1 of 4 stars). 4 submissions from 4 submitters: Uncertain significance (3); Likely benign (1). Last evaluated 2026-01-11.

Conditions:
Early-infantile DEE. Also called: Ohtahara syndrome; Early infantile epileptic encephalopathy with suppression bursts; Early infantile epileptic encephalopathy. Identifiers: Orphanet 1934, MedGen C0393706, MONDO:0800491.
Seizures, benign familial neonatal, 1. Also called: KCNQ2-Related Self-Limited Familial Neonatal Epilepsy (SLFNE); Benign Neonatal Epilepsy 1; Seizures, benign neonatal, 1; KCNQ2-Related Benign Familial Neonatal Epilepsy. Identifiers: Orphanet 1949, MedGen C3149074, MONDO:0007365, OMIM 121200.
Developmental and epileptic encephalopathy, 7 (DEE7). Also called: KCNQ2-Related Neonatal-Onset Developmental and Epileptic Encephalopathy (NEO-DEE); Early infantile epileptic encephalopathy 7; KCNQ2-Related Neonatal Epileptic Encephalopathy. Identifiers: Orphanet 439218, MedGen C3150986, MONDO:0013387, OMIM 613720.

Allele frequency attached by ClinVar (database versions not stated): gnomAD 0.00004 and 0.00005; TOPMed 0.00006.

Submissions (4):

Labcorp Genetics (formerly Invitae), Labcorp
Classification: Likely benign for Early-infantile DEE. Last evaluated: 2026-01-11. Review status: criteria provided, single submitter. Criteria: Invitae Variant Classification Sherloc (09022015). Collection method: clinical testing. Allele origin: germline.

Fulgent Genetics
Classification: Uncertain significance for Seizures, benign familial neonatal, 1; Developmental and epileptic encephalopathy, 7. Last evaluated: 2018-10-31. Review status: criteria provided, single submitter. Criteria: ACMG Guidelines, 2015. Collection method: clinical testing. Allele origin: unknown.

Eurofins Ntd Llc (ga)
Classification: Uncertain significance. Last evaluated: 2018-04-12. Review status: criteria provided, single submitter. Criteria: EGL ClinVar v180209 classification definitions. Collection method: clinical testing. Allele origin: germline. Observed: 1 variant allele, 1 heterozygote.

GeneDx
Classification: Uncertain significance. Last evaluated: 2017-06-26. Review status: criteria provided, single submitter. Criteria: GeneDx Variant Classification (06012015). Collection method: clinical testing. Allele origin: germline. Affected: yes.
Comment: A variant of uncertain significance has been identified in the KCNQ2 gene. The c.1347 C>T variant has not been published as a pathogenic variant, nor has it been reported as a benign variant to our knowledge. The c.1347 C>T variant is observed in 1/8434 (0.01%) alleles from individuals of East Asian background (Lek et al., 2016; 1000 Genomes Consortium et al., 2015; Exome Variant Server). Several in-silico splice prediction models predict that c.1347 C>T creates a cryptic donor site which may supplant the natural donor site and lead to abnormal gene splicing. However, in the absence of RNA/functional studies, the actual effect of this sequence change in this individual is unknown. Therefore, based on the currently available information, it is unclear whether this variant is a pathogenic variant or a rare benign variant.